The following is an entry in ClinVar:

ClinVar aggregate classification (germline): Uncertain significance (1 of 4 stars; one submission).

gnomAD v4.1: 1 of 1,610,986 alleles (0.000062%); highest among the groups gnomAD compares: Admixed American, 0.0017%; no homozygotes.

Submission:

Labcorp Genetics (formerly Invitae), Labcorp
Classification: Uncertain significance. Last evaluated: 2025-04-09. Review status: criteria provided, single submitter. Criteria: Invitae Variant Classification Sherloc (09022015). Collection method: clinical testing. Allele origin: germline.
Comment: This sequence change replaces alanine, which is neutral and non-polar, with threonine, which is neutral and polar, at codon 1189 of the ALPK3 protein (p.Ala1189Thr). This variant is present in population databases (no rsID available, gnomAD 0.003%). This variant has not been reported in the literature in individuals affected with ALPK3-related conditions. An algorithm developed to predict the effect of missense changes on protein structure and function outputs the following: PolyPhen-2: "Benign". The threonine amino acid residue is found in multiple mammalian species, which suggests that this missense change does not adversely affect protein function. In summary, the available evidence is currently insufficient to determine the role of this variant in disease. Therefore, it has been classified as a Variant of Uncertain Significance.

NM_020778.5(ALPK3):c.2959G>A (p.Ala987Thr)

Gene: ALPK3 (alpha kinase 3; plus strand). Cytogenetic location: 15q25.3.
Variant type: single nucleotide variant.
Coding change: c.2959G>A on transcript NM_020778.5 (MANE Select); coding-DNA position 2959, G replaced by A.
Protein change: p.Ala987Thr; replaces alanine 987 with threonine.
Molecular consequence: missense variant.
Genome position (GRCh38, 1-based): chr15:84,857,697, G>A. VCF-style: chr15-84857697-G-A. GRCh37 (hg19) VCF-style: chr15-85400928-G-A.
Other names: short protein forms A987T.
Identifiers: ClinVar variation 4701347 (VCV004701347.1).
Genomic context (GRCh38, chr15:84,857,697, plus strand): 5'-CTGCTGAAGCTGTCCAGCACAGAGACAAGTGGAGCAGGGGGAGAGTCCCAGGTGGGGGCA[G>A]CCACCGGAGGTCTGGTGCCCTCAGCCACTCTGACACCCACTGTGGAAGTGGCTGGGCTTA-3'
Protein context (NP_065829.4, residues 977-997): GAGGESQVGA[Ala987Thr]TGGLVPSATL